The following is an entry in ClinVar:

ClinVar aggregate classification (germline): Uncertain significance (1 of 4 stars; one submission).

Submission:

Labcorp Genetics (formerly Invitae), Labcorp
Classification: Uncertain significance. Last evaluated: 2025-06-03. Review status: criteria provided, single submitter. Criteria: Invitae Variant Classification Sherloc (09022015). Collection method: clinical testing. Allele origin: germline.
Comment: This sequence change replaces serine, which is neutral and polar, with glycine, which is neutral and non-polar, at codon 13 of the NTHL1 protein (p.Ser13Gly). This variant is not present in population databases (gnomAD no frequency). This variant has not been reported in the literature in individuals affected with NTHL1-related conditions. An algorithm developed to predict the effect of missense changes on protein structure and function outputs the following: PolyPhen-2: "Benign". The glycine amino acid residue is found in multiple mammalian species, which suggests that this missense change does not adversely affect protein function. In summary, the available evidence is currently insufficient to determine the role of this variant in disease. Therefore, it has been classified as a Variant of Uncertain Significance.

NM_002528.7(NTHL1):c.13A>G (p.Ser5Gly)

Gene: NTHL1 (nth like DNA glycosylase 1; minus strand). Cytogenetic location: 16p13.3.
Variant type: single nucleotide variant.
Coding change: c.13A>G on transcript NM_002528.7 (MANE Select); coding-DNA position 13, A replaced by G.
Protein change: p.Ser5Gly; replaces serine 5 with glycine.
Molecular consequence: missense variant. On other transcripts: 5 prime UTR variant (1).
Genome position (GRCh38, 1-based): chr16:2,047,811, T>C on the plus strand (A>G on the coding strand, the complement: NTHL1 is on the minus strand). VCF-style: chr16-2047811-T-C. GRCh37 (hg19) VCF-style: chr16-2097812-T-C.
Other names: c.13A>G, p.Ser5Gly (NM_001318193.2); c.-166A>G (NM_001318194.2); short protein forms S5G.
Identifiers: ClinVar variation 4762525 (VCV004762525.1).